The following is an entry in ClinVar:

NM_000176.3(NR3C1):c.1208G>A (p.Ser403Asn)

Gene: NR3C1 (nuclear receptor subfamily 3 group C member 1; minus strand). Cytogenetic location: 5q31.3.
Variant type: single nucleotide variant.
Coding change: c.1208G>A on transcript NM_000176.3 (MANE Select); coding-DNA position 1208, G replaced by A.
Protein change: p.Ser403Asn; replaces serine 403 with asparagine.
Molecular consequence: missense variant. On other transcripts: non-coding transcript variant (1).
Genome position (GRCh38, 1-based): chr5:143,314,145, C>T on the plus strand (G>A on the coding strand, the complement: NR3C1 is on the minus strand). VCF-style: chr5-143314145-C-T. GRCh37 (hg19) VCF-style: chr5-142693710-C-T.
Other names: c.1208G>A, p.Ser403Asn (NM_001018074.1, NM_001018075.1, NM_001018076.2 and 10 more transcripts); c.1130G>A, p.Ser377Asn (NM_001204258.2); c.953G>A, p.Ser318Asn (NM_001204259.2); c.941G>A, p.Ser314Asn (NM_001204260.2); c.917G>A, p.Ser306Asn (NM_001204261.2); c.263G>A, p.Ser88Asn (NM_001204262.2); c.218G>A, p.Ser73Asn (NM_001204263.2); c.203G>A, p.Ser68Asn (NM_001204264.2); short protein forms S306N, S73N, S314N, S377N, S68N, S88N, S318N, S403N.
Identifiers: ClinVar variation 4704332 (VCV004704332.1).
Genomic context (GRCh38, chr5:143,314,145, plus strand): 5'-ACCAGGCAGAGTTTGGGAGGTGGTCCTGTTGTTGCTGTTGAGGAGCTGGATGGAGGAGAG[C>T]TTACATCTGGTCTCATGCTGGGGCTAAAGAAGGGGAAGAACAGTGTTATGATTTAACTGT-3'
Protein context (NP_000167.1, residues 393-413): YSSPSMRPDV[Ser403Asn]SPPSSSSTAT

ClinVar aggregate classification (germline): Uncertain significance (1 of 4 stars; one submission).

Submission:

Labcorp Genetics (formerly Invitae), Labcorp
Classification: Uncertain significance. Last evaluated: 2025-05-08. Review status: criteria provided, single submitter. Criteria: Invitae Variant Classification Sherloc (09022015). Collection method: clinical testing. Allele origin: germline.
Comment: This sequence change replaces serine, which is neutral and polar, with asparagine, which is neutral and polar, at codon 403 of the NR3C1 protein (p.Ser403Asn). This variant is not present in population databases (gnomAD no frequency). This variant has not been reported in the literature in individuals affected with NR3C1-related conditions. An algorithm developed to predict the effect of missense changes on protein structure and function outputs the following: PolyPhen-2: "Benign". The asparagine amino acid residue is found in multiple mammalian species, which suggests that this missense change does not adversely affect protein function. In summary, the available evidence is currently insufficient to determine the role of this variant in disease. Therefore, it has been classified as a Variant of Uncertain Significance.